The following is an entry in ClinVar:

ClinVar aggregate classification (germline): Pathogenic (1 of 4 stars; one submission).

Submission:

CeGaT Center for Human Genetics Tuebingen
Classification: Pathogenic. Last evaluated: 2026-04-01. Review status: criteria provided, single submitter. Criteria: CeGaT Center For Human Genetics Tuebingen Variant Classification Criteria Version 2. Collection method: clinical testing. Allele origin: germline. Affected: yes. Observed: 1 variant allele.
Comment: FAH: PVS1, PM2, PM3

NM_000137.4(FAH):c.837+2T>C

Gene: FAH (fumarylacetoacetate hydrolase; plus strand). Cytogenetic location: 15q25.1.
Variant type: single nucleotide variant.
Coding change: c.837+2T>C on transcript NM_000137.4 (MANE Select); the canonical splice donor site of the intron after coding-DNA position 837, T replaced by C.
Molecular consequence: splice donor variant.
Genome position (GRCh38, 1-based): chr15:80,173,146, T>C. VCF-style: chr15-80173146-T-C. GRCh37 (hg19) VCF-style: chr15-80465488-T-C.
Other names: c.837+2T>C (NM_001374377.1, NM_001374380.1).
Identifiers: ClinVar variation 4874127 (VCV004874127.2).